The following is an entry in ClinVar:

ClinVar aggregate classification (germline): Uncertain significance. Review status: criteria provided, multiple submitters, no conflicts (2 of 4 stars). 2 submissions from 2 submitters: Uncertain significance (2). Last evaluated 2026-08-17.

Conditions:
Hypertrophic cardiomyopathy. Also called: HYPERTROPHIC MYOCARDIOPATHY. Identifiers: Orphanet 217569, MedGen C0007194, MeSH D002312, MONDO:0005045, HP:0001639.
Cardiovascular phenotype. Identifiers: MedGen CN230736.

Allele frequency attached by ClinVar (database versions not stated): TOPMed below 0.00001.

Submissions (2):

Ambry Genetics
Classification: Uncertain significance for Cardiovascular phenotype. Last evaluated: 2026-08-17. Review status: criteria provided, single submitter. Criteria: Ambry Variant Classification Scheme 2023. Collection method: clinical testing. Allele origin: germline.

Labcorp Genetics (formerly Invitae), Labcorp
Classification: Uncertain significance for Hypertrophic cardiomyopathy. Last evaluated: 2024-10-18. Review status: criteria provided, single submitter. Criteria: Invitae Variant Classification Sherloc (09022015). Collection method: clinical testing. Allele origin: germline.
Comment: This sequence change replaces serine, which is neutral and polar, with threonine, which is neutral and polar, at codon 887 of the MYBPC3 protein (p.Ser887Thr). This variant is not present in population databases (gnomAD no frequency). This variant has not been reported in the literature in individuals affected with MYBPC3-related conditions. An algorithm developed to predict the effect of missense changes on protein structure and function (PolyPhen-2) suggests that this variant is likely to be tolerated. In summary, the available evidence is currently insufficient to determine the role of this variant in disease. Therefore, it has been classified as a Variant of Uncertain Significance.

NM_000256.3(MYBPC3):c.2659T>A (p.Ser887Thr)

Gene: MYBPC3 (myosin binding protein C3; minus strand). Cytogenetic location: 11p11.2.
Variant type: single nucleotide variant.
Coding change: c.2659T>A on transcript NM_000256.3 (MANE Select); coding-DNA position 2659, T replaced by A.
Protein change: p.Ser887Thr; replaces serine 887 with threonine.
Molecular consequence: missense variant.
Genome position (GRCh38, 1-based): chr11:47,335,955, A>T on the plus strand (T>A on the coding strand, the complement: MYBPC3 is on the minus strand). VCF-style: chr11-47335955-A-T. GRCh37 (hg19) VCF-style: chr11-47357506-A-T.
Other names: short protein forms S887T.
Identifiers: ClinVar variation 2915046 (VCV002915046.4), dbSNP rs2095881866, ClinGen allele CA380317357.